The following is an entry in ClinVar:

NM_001173467.3(SP7):c.1166A>G (p.Lys389Arg)

Gene: SP7 (Sp7 transcription factor; minus strand). Cytogenetic location: 12q13.13.
Variant type: single nucleotide variant.
Coding change: c.1166A>G on transcript NM_001173467.3 (MANE Select); coding-DNA position 1166, A replaced by G.
Protein change: p.Lys389Arg; replaces lysine 389 with arginine.
Molecular consequence: missense variant.
Genome position (GRCh38, 1-based): chr12:53,328,276, T>C on the plus strand (A>G on the coding strand, the complement: SP7 is on the minus strand). VCF-style: chr12-53328276-T-C. GRCh37 (hg19) VCF-style: chr12-53722060-T-C.
Other names: c.1166A>G (NM_001173467.1, NM_001173467.2); c.1112A>G, p.Lys371Arg (NM_001300837.2); c.1166A>G, p.Lys389Arg (NM_152860.2); short protein forms K389R, K371R.
Identifiers: ClinVar variation 2075227 (VCV002075227.3), dbSNP rs772101518, ClinGen allele CA6599449.

ClinVar aggregate classification (germline): Uncertain significance. Review status: criteria provided, multiple submitters, no conflicts (2 of 4 stars). 3 submissions from 3 submitters: Uncertain significance (3). Last evaluated 2025-07-02.

Allele frequency attached by ClinVar (database versions not stated): gnomAD exomes 0.00005; ExAC 0.00006; gnomAD 0.00007; TOPMed 0.00011; 1000 Genomes Project 30x 0.00016.
gnomAD v4.1: 87 of 1,611,254 alleles (0.0054%); highest among the groups gnomAD compares: Admixed American, 0.013%; no homozygotes.

Submissions (3):

Ambry Genetics
Classification: Uncertain significance. Last evaluated: 2025-07-02. Review status: criteria provided, single submitter. Criteria: Ambry Variant Classification Scheme 2023. Collection method: clinical testing. Allele origin: germline.

GeneDx
Classification: Uncertain significance. Last evaluated: 2022-11-11. Review status: criteria provided, single submitter. Criteria: GeneDx Variant Classification Process June 2021. Collection method: clinical testing. Allele origin: germline. Affected: yes.
Comment: In silico analysis supports that this missense variant does not alter protein structure/function; Has not been previously published as pathogenic or benign to our knowledge

Labcorp Genetics (formerly Invitae), Labcorp
Classification: Uncertain significance. Last evaluated: 2022-09-01. Review status: criteria provided, single submitter. Criteria: Invitae Variant Classification Sherloc (09022015). Collection method: clinical testing. Allele origin: germline.
Comment: This sequence change replaces lysine, which is basic and polar, with arginine, which is basic and polar, at codon 389 of the SP7 protein (p.Lys389Arg). This variant is present in population databases (rs772101518, gnomAD 0.01%). This variant has not been reported in the literature in individuals affected with SP7-related conditions. Algorithms developed to predict the effect of missense changes on protein structure and function (SIFT, PolyPhen-2, Align-GVGD) all suggest that this variant is likely to be tolerated. Algorithms developed to predict the effect of sequence changes on RNA splicing suggest that this variant may create or strengthen a splice site. In summary, the available evidence is currently insufficient to determine the role of this variant in disease. Therefore, it has been classified as a Variant of Uncertain Significance.